The following is an entry in ClinVar:

NM_201384.3(PLEC):c.10744G>A (p.Gly3582Ser)

Gene: PLEC (plectin; minus strand). Cytogenetic location: 8q24.3.
Variant type: single nucleotide variant.
Coding change: c.10744G>A on transcript NM_201384.3 (MANE Select); coding-DNA position 10744, G replaced by A.
Protein change: p.Gly3582Ser; replaces glycine 3582 with serine.
Molecular consequence: missense variant.
Genome position (GRCh38, 1-based): chr8:143,919,077, C>T on the plus strand (G>A on the coding strand, the complement: PLEC is on the minus strand). VCF-style: chr8-143919077-C-T. GRCh37 (hg19) VCF-style: chr8-144993245-C-T.
Other names: c.10825G>A, p.Gly3609Ser (NM_000445.5); c.10702G>A, p.Gly3568Ser (NM_201378.4); c.10678G>A, p.Gly3560Ser (NM_201379.3); c.11155G>A, p.Gly3719Ser (NM_201380.4); c.10648G>A, p.Gly3550Ser (NM_201381.3); c.10744G>A, p.Gly3582Ser (NM_201382.4); c.10756G>A, p.Gly3586Ser (NM_201383.3); short protein forms G3550S, G3560S, G3568S, G3582S, G3586S, G3609S, G3719S.
Identifiers: ClinVar variation 196813 (VCV000196813.21), dbSNP rs202010719, ClinGen allele CA244217.
Genomic context (GRCh38, chr8:143,919,077, plus strand): 5'-CCCGCTGCTCCTCGGGGATCAGGTCCGACTGCATCACCTCCCACAGGGACATGGTGGAGC[C>T]GCCGTGGCTGCCGCCGCCGGGAATGTCGATCTGTGTCTCTTCAAATGCCCTTCTTGTCTC-3'
Protein context (NP_958786.1, residues 3572-3592): IDIPGGGSHG[Gly3582Ser]STMSLWEVMQ

ClinVar aggregate classification (germline): Uncertain significance. Review status: criteria provided, multiple submitters, no conflicts (2 of 4 stars). 7 submissions from 7 submitters: Uncertain significance (7). Last evaluated 2025-10-08.

Conditions:
Junctional epidermolysis bullosa with pyloric atresia. Also called: EPIDERMOLYSIS BULLOSA, JUNCTIONAL 5B, WITH PYLORIC ATRESIA; Junctional Epidermolysis Bullosa- Pyloric Atresia Syndrome; APLASIA CUTIS CONGENITA WITH GASTROINTESTINAL ATRESIA; CARMI SYNDROME; ITGB4-Related Epidermolysis Bullosa with Pyloric Atresia; ITGA6-Related Epidermolysis Bullosa with Pyloric Atresia. Identifiers: Orphanet 79403, MedGen C5676875, MONDO:0009183, OMIM 226730.
Autosomal recessive limb-girdle muscular dystrophy type 2Q (LGMDR17). Also called: MUSCULAR DYSTROPHY, LIMB-GIRDLE, AUTOSOMAL RECESSIVE 17. Identifiers: Orphanet 254361, MedGen C3150989, MONDO:0013390, OMIM 613723.
Epidermolysis bullosa simplex 5B, with muscular dystrophy (EBS5B). Also called: EPIDERMOLYSIS BULLOSA SIMPLEX AND LIMB-GIRDLE MUSCULAR DYSTROPHY; Epidermolysis bullosa simplex with muscular dystrophy. Identifiers: Orphanet 257, MedGen C2931072, MONDO:0009181, OMIM 226670.
Epidermolysis bullosa simplex, Ogna type (EBS5A). Also called: EPIDERMOLYSIS BULLOSA SIMPLEX 5A, OGNA TYPE; Pidermolysis bullosa simplex 5A, Ogna type. Identifiers: Orphanet 79401, MedGen C0432317, MONDO:0007555, OMIM 131950.
Epidermolysis bullosa simplex 5C, with pyloric atresia (EBS5C). Also called: PLEC-Related Epidermolysis Bullosa with Pyloric Atresia; Epidermolysis bullosa simplex with pyloric atresia; PLEC1-Related Epidermolysis Bullosa with Pyloric Atresia. Identifiers: Orphanet 158684, MedGen C2677349, MONDO:0012807, OMIM 612138.
Epidermolysis bullosa simplex with nail dystrophy (EBS5D). Identifiers: MedGen C4225309, MONDO:0014661, OMIM 616487.
Inborn genetic diseases. Identifiers: MedGen C0950123, MeSH D030342.

Allele frequency attached by ClinVar (database versions not stated): ESP Exome Variant Server 0.00008; gnomAD exomes 0.00010 and 0.00024; ExAC 0.00020; TOPMed 0.00028; gnomAD 0.00031.
gnomAD v4.1: 197 of 1,611,352 alleles (0.012%); highest among the groups gnomAD compares: Middle Eastern, 0.15%; no homozygotes.

Submissions (7):

Labcorp Genetics (formerly Invitae), Labcorp
Classification: Uncertain significance for Autosomal recessive limb-girdle muscular dystrophy type 2Q; Epidermolysis bullosa simplex, Ogna type; Epidermolysis bullosa simplex with nail dystrophy; Epidermolysis bullosa simplex 5C, with pyloric atresia; Epidermolysis bullosa simplex 5B, with muscular dystrophy. Last evaluated: 2025-10-08. Review status: criteria provided, single submitter. Criteria: Invitae Variant Classification Sherloc (09022015). Collection method: clinical testing. Allele origin: germline.
Comment: This sequence change replaces glycine, which is neutral and non-polar, with serine, which is neutral and polar, at codon 3609 of the PLEC protein (p.Gly3609Ser). This variant is present in population databases (rs202010719, gnomAD 0.08%). This variant has not been reported in the literature in individuals affected with PLEC-related conditions. ClinVar contains an entry for this variant (Variation ID: 196813). An algorithm developed to predict the effect of missense changes on protein structure and function outputs the following: PolyPhen-2: "Benign". The serine amino acid residue is found in multiple mammalian species, which suggests that this missense change does not adversely affect protein function. In summary, the available evidence is currently insufficient to determine the role of this variant in disease. Therefore, it has been classified as a Variant of Uncertain Significance.

Ambry Genetics
Classification: Uncertain significance for Inborn genetic diseases. Last evaluated: 2023-10-14. Review status: criteria provided, single submitter. Criteria: Ambry Variant Classification Scheme 2023. Collection method: clinical testing. Allele origin: germline.

Revvity Omics, Revvity
Classification: Uncertain significance. Last evaluated: 2023-05-02. Review status: criteria provided, single submitter. Criteria: ACMG Guidelines, 2015. Collection method: clinical testing. Allele origin: germline.

Department of Pathology and Laboratory Medicine, Sinai Health System
Classification: Uncertain significance for Epidermolysis bullosa simplex, Ogna type; Epidermolysis bullosa simplex 5B, with muscular dystrophy; Junctional epidermolysis bullosa with pyloric atresia; Epidermolysis bullosa simplex 5C, with pyloric atresia; Autosomal recessive limb-girdle muscular dystrophy type 2Q; Epidermolysis bullosa simplex with nail dystrophy. Last evaluated: 2022-01-25. Review status: criteria provided, single submitter. Criteria: ACMG Guidelines, 2015. Collection method: research. Allele origin: germline.

Eurofins Ntd Llc (ga)
Classification: Uncertain significance. Last evaluated: 2017-02-28. Review status: criteria provided, single submitter. Criteria: EGL Classification Definitions 2015. Collection method: clinical testing. Allele origin: germline. Observed: 5 variant alleles, 5 heterozygotes.

GeneDx
Classification: Uncertain significance. Last evaluated: 2015-11-24. Review status: criteria provided, single submitter. Criteria: GeneDx Variant Classification (06012015). Collection method: clinical testing. Allele origin: germline. Affected: yes.
Comment: The G3609S variant in the PLEC gene has not been reported previously as a pathogenic variant, nor as a benign variant, to our knowledge. The G3609S variant was not observed with any significant frequency in approximately 6,300 individuals of European and African American ancestry in the NHLBI Exome Sequencing Project, indicating it is not a common benign variant in these populations. The G3609S variant is a non-conservative amino acid substitution, which is likely to impact secondary protein structure as these residues differ in polarity, charge, size and/or other properties. However, this substitution occurs at a position that is not conserved, and in silico analysis predicts this variant likely does not alter the protein structure/function. We interpret G3609S as a variant of uncertain significance.

Breakthrough Genomics
Classification: Uncertain significance. Review status: criteria provided, single submitter. Criteria: ACMG Guidelines, 2015. Collection method: not provided. Allele origin: germline. Inheritance: Autosomal recessive inheritance. Affected: yes.